The following is an entry in ClinVar:

ClinVar aggregate classification (germline): Likely pathogenic (1 of 4 stars; one submission).

Conditions:
Dilated cardiomyopathy 1G (CMD1G). Identifiers: Orphanet 154, MedGen C1858763, MONDO:0011400, OMIM 604145.
Autosomal recessive limb-girdle muscular dystrophy type 2J (LGMDR10). Also called: Limb-girdle muscular dystrophy, type 2J; MUSCULAR DYSTROPHY, LIMB-GIRDLE, AUTOSOMAL RECESSIVE 10. Identifiers: Orphanet 140922, MedGen C1837342, MONDO:0012127, OMIM 608807.

Submission:

Labcorp Genetics (formerly Invitae), Labcorp
Classification: Likely pathogenic for Dilated cardiomyopathy 1G; Autosomal recessive limb-girdle muscular dystrophy type 2J. Last evaluated: 2024-06-11. Review status: criteria provided, single submitter. Criteria: Invitae Variant Classification Sherloc (09022015). Collection method: clinical testing. Allele origin: germline.
Comment: This sequence change creates a premature translational stop signal (p.Val18159Serfs*60) in the TTN gene. While this is not anticipated to result in nonsense mediated decay, it is expected to create a truncated TTN protein. This variant is not present in population databases (gnomAD no frequency). This variant has not been reported in the literature in individuals affected with TTN-related conditions. Algorithms developed to predict the effect of sequence changes on RNA splicing suggest that this variant may create or strengthen a splice site. This variant is located in the A band of TTN (PMID: 25589632). Truncating variants in this region are significantly overrepresented in patients affected with dilated cardiomyopathy (PMID: 25589632). Truncating variants in this region have also been reported in individuals affected with autosomal recessive centronuclear myopathy (PMID: 23975875). In summary, the currently available evidence indicates that the variant is pathogenic, but additional data are needed to prove that conclusively. Therefore, this variant has been classified as Likely Pathogenic.

Literature cited by the submitters: PubMed 25589632; PubMed 23975875.

NM_001267550.2(TTN):c.54471_54474dup (p.Val18159fs)

Genes: TTN-AS1 (TTN antisense RNA 1; plus strand), TTN (titin; minus strand). Cytogenetic location: 2q31.2.
Variant type: Duplication.
Coding change: c.54471_54474dup on transcript NM_001267550.2 (MANE Select); coding-DNA positions 54471 to 54474, 4 bases duplicated (AGTA; older notation c.54471_54474dupAGTA).
Protein change: p.Val18159fs; shifts the reading frame from valine 18159.
Molecular consequence: frameshift variant.
Genome position (GRCh38, 1-based): chr2:178,604,213-178,604,216, TACT duplicated on the plus strand (AGTA on the coding strand, the reverse complement: TTN is on the minus strand); duplicating any 4 consecutive bases within chr2:178,604,213-178,604,217 gives the same sequence; the c. name uses the placement nearest the transcript's 3' end. VCF-style (leftmost placement, unchanged base first): chr2-178604212-C-CTACT. GRCh37 (hg19) VCF-style: chr2-179468939-C-CTACT.
Other names: c.27651_27654dup, p.Val9219fs (NM_133432.3); c.27852_27855dup, p.Val9286fs (NM_133437.4); c.49548_49551dup, p.Val16518fs (NM_001256850.1); c.27276_27279dup, p.Val9094fs (NM_003319.4); c.46767_46770dup, p.Val15591fs (NM_133378.4); short protein forms V15591fs, V16518fs, V18159fs, V9094fs, V9219fs, V9286fs.
Identifiers: ClinVar variation 3755711 (VCV003755711.2).